The following is an entry in ClinVar:

ClinVar aggregate classification (germline): Uncertain significance (1 of 4 stars; one submission).

Submission:

Labcorp Genetics (formerly Invitae), Labcorp
Classification: Uncertain significance. Last evaluated: 2025-05-06. Review status: criteria provided, single submitter. Criteria: Invitae Variant Classification Sherloc (09022015). Collection method: clinical testing. Allele origin: germline.
Comment: This sequence change replaces histidine, which is basic and polar, with tyrosine, which is neutral and polar, at codon 822 of the LEMD3 protein (p.His822Tyr). This variant is not present in population databases (gnomAD no frequency). This variant has not been reported in the literature in individuals affected with LEMD3-related conditions. Invitae Evidence Modeling of protein sequence and biophysical properties (such as structural, functional, and spatial information, amino acid conservation, physicochemical variation, residue mobility, and thermodynamic stability) indicates that this missense variant is expected to disrupt LEMD3 protein function with a positive predictive value of 80%. In summary, the available evidence is currently insufficient to determine the role of this variant in disease. Therefore, it has been classified as a Variant of Uncertain Significance.

NM_014319.5(LEMD3):c.2464C>T (p.His822Tyr)

Gene: LEMD3 (LEM domain containing 3; plus strand). Cytogenetic location: 12q14.3.
Variant type: single nucleotide variant.
Coding change: c.2464C>T on transcript NM_014319.5 (MANE Select); coding-DNA position 2464, C replaced by T.
Protein change: p.His822Tyr; replaces histidine 822 with tyrosine.
Molecular consequence: missense variant.
Genome position (GRCh38, 1-based): chr12:65,245,745, C>T. VCF-style: chr12-65245745-C-T. GRCh37 (hg19) VCF-style: chr12-65639525-C-T.
Other names: c.2461C>T, p.His821Tyr (NM_001167614.2); short protein forms H821Y, H822Y.
Identifiers: ClinVar variation 4810864 (VCV004810864.1).